The following is an entry in ClinVar:

ClinVar aggregate classification (germline): Uncertain significance (1 of 4 stars; one submission).

gnomAD v4.1: 1 of 1,614,082 alleles (0.000062%); highest among the groups gnomAD compares: Non-Finnish European, 0.000085%; no homozygotes.

Submission:

Ambry Genetics
Classification: Uncertain significance. Last evaluated: 2025-10-08. Review status: criteria provided, single submitter. Criteria: Ambry Variant Classification Scheme 2023. Collection method: clinical testing. Allele origin: germline.
Comment: The p.A617G variant (also known as c.1850C>G), located in coding exon 2 of the CDK12 gene, results from a C to G substitution at nucleotide position 1850. The alanine at codon 617 is replaced by glycine, an amino acid with similar properties. This amino acid position is conserved. In addition, this alteration is predicted to be tolerated by in silico analysis. Based on the available evidence, the clinical significance of this variant remains unclear.

NM_016507.4(CDK12):c.1850C>G (p.Ala617Gly)

Gene: CDK12 (cyclin dependent kinase 12; plus strand). Cytogenetic location: 17q12.
Variant type: single nucleotide variant.
Coding change: c.1850C>G on transcript NM_016507.4 (MANE Select); coding-DNA position 1850, C replaced by G.
Protein change: p.Ala617Gly; replaces alanine 617 with glycine.
Molecular consequence: missense variant.
Genome position (GRCh38, 1-based): chr17:39,471,682, C>G. VCF-style: chr17-39471682-C-G. GRCh37 (hg19) VCF-style: chr17-37627935-C-G.
Other names: c.1850C>G, p.Ala617Gly (NM_015083.4); short protein forms A617G.
Identifiers: ClinVar variation 4651361 (VCV004651361.1).